The following is an entry in ClinVar:

NM_000243.3(MEFV):c.2089A>C (p.Asn697His)

Genes: MEFV (MEFV innate immunity regulator, pyrin; minus strand), LOC126862264 (CDK7 strongly-dependent group 2 enhancer GRCh37_chr16:3293322-3294521; plus strand). Cytogenetic location: 16p13.3.
Variant type: single nucleotide variant.
Coding change: c.2089A>C on transcript NM_000243.3 (MANE Select); coding-DNA position 2089, A replaced by C.
Protein change: p.Asn697His; replaces asparagine 697 with histidine.
Molecular consequence: missense variant. On other transcripts: 3 prime UTR variant (1).
Genome position (GRCh38, 1-based): chr16:3,243,398, T>G on the plus strand (A>C on the coding strand, the complement: MEFV is on the minus strand). VCF-style: chr16-3243398-T-G. GRCh37 (hg19) VCF-style: chr16-3293398-T-G.
Other names: c.*293A>C (NM_001198536.2); short protein forms N697H.
Identifiers: ClinVar variation 2861672 (VCV002861672.3), dbSNP rs2543139250, ClinGen allele CA394486050.

ClinVar aggregate classification (germline): Uncertain significance (1 of 4 stars; one submission).

Conditions:
Familial Mediterranean fever (FMF). Also called: POLYSEROSITIS, FAMILIAL PAROXYSMAL; POLYSEROSITIS, RECURRENT; Periodic peritonitis; Benign paroxysmal peritonitis. Identifiers: Orphanet 342, MedGen C0031069, MONDO:0018088, OMIM 249100. Disease mechanism: gain of function.

Submission:

Labcorp Genetics (formerly Invitae), Labcorp
Classification: Uncertain significance for Familial Mediterranean fever. Last evaluated: 2023-02-01. Review status: criteria provided, single submitter. Criteria: Invitae Variant Classification Sherloc (09022015). Collection method: clinical testing. Allele origin: germline.
Comment: This sequence change replaces asparagine, which is neutral and polar, with histidine, which is basic and polar, at codon 697 of the MEFV protein (p.Asn697His). This variant is not present in population databases (gnomAD no frequency). This variant has not been reported in the literature in individuals affected with MEFV-related conditions. Algorithms developed to predict the effect of missense changes on protein structure and function are either unavailable or do not agree on the potential impact of this missense change (SIFT: "Tolerated"; PolyPhen-2: "Probably Damaging"; Align-GVGD: "Class C0"). In summary, the available evidence is currently insufficient to determine the role of this variant in disease. Therefore, it has been classified as a Variant of Uncertain Significance.